The following is an entry in ClinVar:

ClinVar aggregate classification (germline): Uncertain significance. Review status: criteria provided, multiple submitters, no conflicts (2 of 4 stars). 2 submissions from 2 submitters: Uncertain significance (2). Last evaluated 2025-08-24.

gnomAD v4.1: 13 of 1,606,228 alleles (0.00081%); highest among the groups gnomAD compares: Non-Finnish European, 0.001%; no homozygotes.

Submissions (2):

Ambry Genetics
Classification: Uncertain significance. Last evaluated: 2025-08-24. Review status: criteria provided, single submitter. Criteria: Ambry Variant Classification Scheme 2023. Collection method: clinical testing. Allele origin: germline.

CeGaT Center for Human Genetics Tuebingen
Classification: Uncertain significance. Last evaluated: 2024-07-01. Review status: criteria provided, single submitter. Criteria: CeGaT Center For Human Genetics Tuebingen Variant Classification Criteria Version 2. Collection method: clinical testing. Allele origin: germline. Affected: yes. Observed: 1 variant allele.
Comment: KARS1: PM2, PP3

NM_005548.3(KARS1):c.1346G>C (p.Gly449Ala)

Genes: KARS1 (lysyl-tRNA synthetase 1; minus strand), LOC126862402 (CDK7 strongly-dependent group 2 enhancer GRCh37_chr16:75663368-75664567; plus strand). Cytogenetic location: 16q23.1.
Variant type: single nucleotide variant.
Coding change: c.1346G>C on transcript NM_005548.3 (MANE Select); coding-DNA position 1346, G replaced by C.
Protein change: p.Gly449Ala; replaces glycine 449 with alanine.
Molecular consequence: missense variant.
Genome position (GRCh38, 1-based): chr16:75,630,501, C>G on the plus strand (G>C on the coding strand, the complement: KARS1 is on the minus strand). VCF-style: chr16-75630501-C-G. GRCh37 (hg19) VCF-style: chr16-75664399-C-G.
Other names: c.1430G>C, p.Gly477Ala (NM_001130089.2); c.878G>C, p.Gly293Ala (NM_001378148.1); short protein forms G293A, G449A, G477A.
Identifiers: ClinVar variation 3257282 (VCV003257282.18).